The following is an entry in ClinVar:

NM_006734.4(HIVEP2):c.5132A>G (p.His1711Arg)

Gene: HIVEP2 (HIVEP zinc finger 2; minus strand). Cytogenetic location: 6q24.2.
Variant type: single nucleotide variant.
Coding change: c.5132A>G on transcript NM_006734.4 (MANE Select); coding-DNA position 5132, A replaced by G.
Protein change: p.His1711Arg; replaces histidine 1711 with arginine.
Molecular consequence: missense variant.
Genome position (GRCh38, 1-based): chr6:142,769,607, T>C on the plus strand (A>G on the coding strand, the complement: HIVEP2 is on the minus strand). VCF-style: chr6-142769607-T-C. GRCh37 (hg19) VCF-style: chr6-143090744-T-C.
Other names: short protein forms H1711R.
Identifiers: ClinVar variation 2298170 (VCV002298170.2), dbSNP rs751091645, ClinGen allele CA365894554.

ClinVar aggregate classification (germline): Uncertain significance (1 of 4 stars; one submission).

Conditions:
Inborn genetic diseases. Identifiers: MedGen C0950123, MeSH D030342.

gnomAD v4.1: 2 of 1,614,212 alleles (0.00012%); highest among the groups gnomAD compares: Admixed American, 0.0017%; no homozygotes.

Submission:

Ambry Genetics
Classification: Uncertain significance for Inborn genetic diseases. Last evaluated: 2022-07-28. Review status: criteria provided, single submitter. Criteria: Ambry Variant Classification Scheme 2023. Collection method: clinical testing. Allele origin: germline.
Comment: The c.5132A>G (p.H1711R) alteration is located in exon 5 (coding exon 1) of the HIVEP2 gene. This alteration results from an A to G substitution at nucleotide position 5132, causing the histidine (H) at amino acid position 1711 to be replaced by an arginine (R). Based on data from gnomAD, the G allele has an overall frequency of 0.0004% (1/249566) total alleles studied. This amino acid position is not well conserved in available vertebrate species. This alteration is predicted to be tolerated by in silico analysis. Based on insufficient or conflicting evidence, the clinical significance of this alteration remains unclear.